The following is an entry in ClinVar:

ClinVar aggregate classification (germline): Conflicting classifications of pathogenicity. Review status: criteria provided, conflicting classifications (1 of 4 stars). 2 submissions from 2 submitters: Uncertain significance (1); Likely benign (1). Last evaluated 2026-07-01.

Allele frequency attached by ClinVar (database versions not stated): gnomAD 0.00001; TOPMed 0.00002; ExAC 0.00004; gnomAD exomes 0.00004.
gnomAD v4.1: 56 of 1,602,050 alleles (0.0035%); highest among the groups gnomAD compares: Non-Finnish European, 0.0046%; no homozygotes.

Submissions (2):

CeGaT Center for Human Genetics Tuebingen
Classification: Likely benign. Last evaluated: 2026-07-01. Review status: criteria provided, single submitter. Criteria: CeGaT Center For Human Genetics Tuebingen Variant Classification Criteria Version 2. Collection method: clinical testing. Allele origin: germline. Affected: yes. Observed: 1 variant allele.
Comment: PACS2: BP4

Labcorp Genetics (formerly Invitae), Labcorp
Classification: Uncertain significance. Last evaluated: 2025-03-09. Review status: criteria provided, single submitter. Criteria: Invitae Variant Classification Sherloc (09022015). Collection method: clinical testing. Allele origin: germline.
Comment: This sequence change replaces isoleucine, which is neutral and non-polar, with valine, which is neutral and non-polar, at codon 645 of the PACS2 protein (p.Ile645Val). This variant is present in population databases (rs781877756, gnomAD 0.003%). This variant has not been reported in the literature in individuals affected with PACS2-related conditions. ClinVar contains an entry for this variant (Variation ID: 2176945). Invitae Evidence Modeling of protein sequence and biophysical properties (such as structural, functional, and spatial information, amino acid conservation, physicochemical variation, residue mobility, and thermodynamic stability) indicates that this missense variant is not expected to disrupt PACS2 protein function with a negative predictive value of 80%. In summary, the available evidence is currently insufficient to determine the role of this variant in disease. Therefore, it has been classified as a Variant of Uncertain Significance.

NM_001100913.3(PACS2):c.1933A>G (p.Ile645Val)

Gene: PACS2 (phosphofurin acidic cluster sorting protein 2; plus strand). Cytogenetic location: 14q32.33.
Variant type: single nucleotide variant.
Coding change: c.1933A>G on transcript NM_001100913.3 (MANE Select); coding-DNA position 1933, A replaced by G.
Protein change: p.Ile645Val; replaces isoleucine 645 with valine.
Molecular consequence: missense variant.
Genome position (GRCh38, 1-based): chr14:105,384,920, A>G. VCF-style: chr14-105384920-A-G. GRCh37 (hg19) VCF-style: chr14-105851257-A-G.
Other names: c.1696A>G, p.Ile566Val (NM_001243127.3); c.1921A>G, p.Ile641Val (NM_015197.4); short protein forms I641V, I566V, I645V.
Identifiers: ClinVar variation 2176945 (VCV002176945.5), dbSNP rs781877756, ClinGen allele CA7389069.